The following is an entry in ClinVar:

NM_206965.2(FTCD):c.623G>A (p.Arg208His)

Genes: FTCD-AS1 (FTCD antisense RNA 1; plus strand), FTCD (formimidoyltransferase cyclodeaminase; minus strand). Cytogenetic location: 21q22.3.
Variant type: single nucleotide variant.
Coding change: c.623G>A on transcript NM_206965.2 (MANE Select); coding-DNA position 623, G replaced by A.
Protein change: p.Arg208His; replaces arginine 208 with histidine.
Molecular consequence: missense variant.
Genome position (GRCh38, 1-based): chr21:46,151,571, C>T on the plus strand (G>A on the coding strand, the complement: FTCD is on the minus strand). VCF-style: chr21-46151571-C-T. GRCh37 (hg19) VCF-style: chr21-47571485-C-T.
Other names: NM_001350598.1:c.37C>T; c.623G>A, p.Arg208His (NM_001320412.2, NM_006657.3); short protein forms R208H.
Identifiers: ClinVar variation 1306230 (VCV001306230.8), dbSNP rs199508525, ClinGen allele CA10073810.

ClinVar aggregate classification (germline): Conflicting classifications of pathogenicity. Review status: criteria provided, conflicting classifications (1 of 4 stars). 3 submissions from 3 submitters: Uncertain significance (1); Benign (1). 1 of the submissions does not count toward it. Last evaluated 2025-09-02.

Conditions:
FTCD-AS1-related disorder. Also called: FTCD-AS1-related condition.
Glutamate formiminotransferase deficiency. Also called: Arakawa syndrome 1; Formiminoglutamic aciduria. Identifiers: Orphanet 51208, MedGen C0268609, MONDO:0009240, OMIM 229100.

Allele frequency attached by ClinVar (database versions not stated): gnomAD 0.00022 and 0.00030; gnomAD exomes 0.00016 and 0.00062; TOPMed 0.00047; ExAC 0.00059; 1000 Genomes Project 0.00140; 1000 Genomes Project 30x 0.00141.
gnomAD v4.1: 286 of 1,612,478 alleles (0.018%); highest among the groups gnomAD compares: East Asian, 0.53%; 1 homozygote.

Submissions (3):

Labcorp Genetics (formerly Invitae), Labcorp
Classification: Benign for Glutamate formiminotransferase deficiency. Last evaluated: 2025-09-02. Review status: criteria provided, single submitter. Criteria: Invitae Variant Classification Sherloc (09022015). Collection method: clinical testing. Allele origin: germline.

GeneDx
Classification: Uncertain significance. Last evaluated: 2019-06-04. Review status: criteria provided, single submitter. Criteria: GeneDx Variant Classification Process June 2021. Collection method: clinical testing. Allele origin: germline. Affected: yes.
Comment: In silico analysis, which includes protein predictors and evolutionary conservation, supports a deleterious effect; Has not been previously published as pathogenic or benign to our knowledge

PreventionGenetics, part of Exact Sciences
Classification: Benign for FTCD-AS1-related condition. Last evaluated: 2020-09-25. Review status: no assertion criteria provided. Collection method: clinical testing. Allele origin: germline. Not counted in ClinVar's aggregate classification.
Comment: This variant is classified as benign based on ACMG/AMP sequence variant interpretation guidelines (Richards et al. 2015 PMID: 25741868, with internal and published modifications).